The following is an entry in ClinVar:

NM_138272.3(MPIG6B):c.532C>T (p.Pro178Ser)

Gene: MPIG6B (megakaryocyte and platelet inhibitory receptor G6b; plus strand). Cytogenetic location: 6p21.33.
Variant type: single nucleotide variant.
Coding change: c.532C>T on transcript NM_138272.3 (MANE Select); coding-DNA position 532, C replaced by T.
Protein change: p.Pro178Ser; replaces proline 178 with serine.
Molecular consequence: missense variant. On other transcripts: synonymous variant (1), intron variant (2).
Genome position (GRCh38, 1-based): chr6:31,724,618, C>T. VCF-style: chr6-31724618-C-T. GRCh37 (hg19) VCF-style: chr6-31692395-C-T.
Other names: p.Pro178Ser; c.532C>T, p.Pro178Ser (NM_025260.4, NM_138277.3); c.441C>T, p.Ser147= (NM_138273.3); c.410-128C>T (NM_138274.3); c.410-147C>T (NM_138275.3); c.532C>T (NM_025260.3); short protein forms P178S.
Identifiers: ClinVar variation 775236 (VCV000775236.7), dbSNP rs150417881, ClinGen allele CA3720397.
Genomic context (GRCh38, chr6:31,724,618, plus strand): 5'-GTTCTCAAAGACTCATATGTCCCTTACAGGCGCCTGCCCCCGCAACCGATTCGACCACTC[C>T]CTAGATTTGGTGAGACTAATTCCACCCCATTTTCTTTCTCCTACATGCCCACTCCCCACC-3'
Protein context (NP_612116.1, residues 168-188): RLPPQPIRPL[Pro178Ser]RFAPLVKTEP

ClinVar aggregate classification (germline): Benign/Likely benign. Review status: criteria provided, multiple submitters, no conflicts (2 of 4 stars). 3 submissions from 3 submitters: Benign (1); Likely benign (1). 1 of the submissions does not count toward it. Last evaluated 2023-10-22.

Conditions:
MPIG6B-related disorder. Also called: MPIG6B-related condition.

Allele frequency attached by ClinVar (database versions not stated): TOPMed 0.00239; gnomAD exomes 0.00650 and 0.00300; ESP Exome Variant Server 0.00108; gnomAD 0.00262 and 0.00343; ExAC 0.00633; 1000 Genomes Project 30x 0.01280; 1000 Genomes Project 0.01418.
gnomAD v4.1: 4,958 of 1,613,824 alleles (0.31%); highest among the groups gnomAD compares: South Asian, 1.6%; 47 homozygotes.

Submissions (3):

Mayo Clinic Laboratories, Mayo Clinic
Classification: Likely benign. Last evaluated: 2023-10-22. Review status: criteria provided, single submitter. Criteria: ACMG Guidelines, 2015. Collection method: clinical testing. Allele origin: germline. Observed: 3 variant alleles.
Comment: BS1, BS2_supporting, BP4

Labcorp Genetics (formerly Invitae), Labcorp
Classification: Benign. Last evaluated: 2019-12-31. Review status: criteria provided, single submitter. Criteria: Invitae Variant Classification Sherloc (09022015). Collection method: clinical testing. Allele origin: germline.

PreventionGenetics, part of Exact Sciences
Classification: Benign for MPIG6B-related condition. Last evaluated: 2019-06-17. Review status: no assertion criteria provided. Collection method: clinical testing. Allele origin: germline. Not counted in ClinVar's aggregate classification.
Comment: This variant is classified as benign based on ACMG/AMP sequence variant interpretation guidelines (Richards et al. 2015 PMID: 25741868, with internal and published modifications).